The following is an entry in ClinVar:

NM_000140.5(FECH):c.463G>C (p.Ala155Pro)

Gene: FECH (ferrochelatase; minus strand). Cytogenetic location: 18q21.31.
Variant type: single nucleotide variant.
Coding change: c.463G>C on transcript NM_000140.5 (MANE Select); coding-DNA position 463, G replaced by C.
Protein change: p.Ala155Pro; replaces alanine 155 with proline.
Molecular consequence: missense variant.
Genome position (GRCh38, 1-based): chr18:57,571,392, C>G on the plus strand (G>C on the coding strand, the complement: FECH is on the minus strand). VCF-style: chr18-57571392-C-G. GRCh37 (hg19) VCF-style: chr18-55238624-C-G.
Other names: c.481G>C, p.Ala161Pro (NM_001012515.4); c.463G>C, p.Ala155Pro (NM_001371094.1, NM_001374778.1); c.247G>C, p.Ala83Pro (NM_001371095.1); short protein forms A155P, A161P, A83P.
Identifiers: ClinVar variation 1495451 (VCV001495451.8), dbSNP rs2122320829, ClinGen allele CA402536463.

ClinVar aggregate classification (germline): Likely pathogenic (1 of 4 stars; one submission).

Submission:

Labcorp Genetics (formerly Invitae), Labcorp
Classification: Likely pathogenic. Last evaluated: 2021-06-10. Review status: criteria provided, single submitter. Criteria: Invitae Variant Classification Sherloc (09022015). Collection method: clinical testing. Allele origin: germline.
Comment: In summary, the currently available evidence indicates that the variant is pathogenic, but additional data are needed to prove that conclusively. Therefore, this variant has been classified as Likely Pathogenic. Nucleotide substitutions within the consensus splice site are a relatively common cause of aberrant splicing (PMID: 17576681, 9536098). Algorithms developed to predict the effect of sequence changes on RNA splicing suggest that this variant may disrupt the consensus splice site, but this prediction has not been confirmed by published transcriptional studies. Experimental studies have shown that this variant affects FECH protein function (PMID: 8781532). This variant has been observed in individual(s) with clinical features of erythropoietic protoporphyria (PMID: 8781532, Invitae). In at least one individual the data is consistent with the variant being in trans (on the opposite chromosome) from a pathogenic variant. This variant is not present in population databases (ExAC no frequency). This sequence change replaces alanine with proline at codon 155 of the FECH protein (p.Ala155Pro). The alanine residue is highly conserved and there is a small physicochemical difference between alanine and proline. This variant also falls at the last nucleotide of exon 4, which is part of the consensus splice site for this exon.

Literature cited by the submitters: PubMed 17576681; PubMed 9536098; PubMed 8781532.